The following is an entry in ClinVar:

NM_133433.4(NIPBL):c.6925C>G (p.Leu2309Val)

Gene: NIPBL (NIPBL cohesin loading factor; plus strand). Cytogenetic location: 5p13.2.
Variant type: single nucleotide variant.
Coding change: c.6925C>G on transcript NM_133433.4 (MANE Select); coding-DNA position 6925, C replaced by G.
Protein change: p.Leu2309Val; replaces leucine 2309 with valine.
Molecular consequence: missense variant.
Genome position (GRCh38, 1-based): chr5:37,049,272, C>G. VCF-style: chr5-37049272-C-G. GRCh37 (hg19) VCF-style: chr5-37049374-C-G.
Other names: c.6925C>G, p.Leu2309Val (NM_001438586.1, NM_015384.5); short protein forms L2309V.
Identifiers: ClinVar variation 4527551 (VCV004527551.1).

ClinVar aggregate classification (germline): Uncertain significance (1 of 4 stars; one submission).

gnomAD v4.1: 2 of 1,614,040 alleles (0.00012%); highest among the groups gnomAD compares: Non-Finnish European, 0.00017%; no homozygotes.

Submission:

GeneDx
Classification: Uncertain significance. Last evaluated: 2025-04-25. Review status: criteria provided, single submitter. Criteria: GeneDx Variant Classification Process June 2021. Collection method: clinical testing. Allele origin: germline. Affected: yes.
Comment: Not observed at significant frequency in large population cohorts (gnomAD); In silico analysis supports that this missense variant has a deleterious effect on protein structure/function; Has not been previously published as pathogenic or benign to our knowledge